The following is an entry in ClinVar:

NM_000890.5(KCNJ5):c.283A>T (p.Met95Leu)

Gene: KCNJ5 (potassium inwardly rectifying channel subfamily J member 5; plus strand). Cytogenetic location: 11q24.3.
Variant type: single nucleotide variant.
Coding change: c.283A>T on transcript NM_000890.5 (MANE Select); coding-DNA position 283, A replaced by T.
Protein change: p.Met95Leu; replaces methionine 95 with leucine.
Molecular consequence: missense variant.
Genome position (GRCh38, 1-based): chr11:128,911,556, A>T. VCF-style: chr11-128911556-A-T. GRCh37 (hg19) VCF-style: chr11-128781451-A-T.
Other names: c.283A>T, p.Met95Leu (NM_001354169.2); short protein forms M95L.
Identifiers: ClinVar variation 1796691 (VCV001796691.2), dbSNP rs1591450266, ClinGen allele CA383246928.

ClinVar aggregate classification (germline): Uncertain significance (1 of 4 stars; one submission).

Conditions:
Cardiovascular phenotype. Identifiers: MedGen CN230736.

Submission:

Ambry Genetics
Classification: Uncertain significance for Cardiovascular phenotype. Last evaluated: 2022-01-04. Review status: criteria provided, single submitter. Criteria: Ambry Variant Classification Scheme 2023. Collection method: clinical testing. Allele origin: germline.
Comment: The p.M95L variant (also known as c.283A>T), located in coding exon 1 of the KCNJ5 gene, results from an A to T substitution at nucleotide position 283. The methionine at codon 95 is replaced by leucine, an amino acid with highly similar properties. This amino acid position is not well conserved in available vertebrate species. In addition, this alteration is predicted to be tolerated by in silico analysis. Since supporting evidence is limited at this time, the clinical significance of this alteration remains unclear.